The following is an entry in ClinVar:

NM_001242957.3(MAK):c.1870A>G (p.Ile624Val)

Gene: MAK (male germ cell associated kinase; minus strand). Cytogenetic location: 6p24.2.
Variant type: single nucleotide variant.
Coding change: c.1870A>G on transcript NM_001242957.3 (MANE Select); coding-DNA position 1870, A replaced by G.
Protein change: p.Ile624Val; replaces isoleucine 624 with valine.
Molecular consequence: missense variant. On other transcripts: non-coding transcript variant (2).
Genome position (GRCh38, 1-based): chr6:10,764,529, T>C on the plus strand (A>G on the coding strand, the complement: MAK is on the minus strand). VCF-style: chr6-10764529-T-C. GRCh37 (hg19) VCF-style: chr6-10764762-T-C.
Other names: c.1675A>G, p.Ile559Val (NM_001242385.2); c.1573A>G, p.Ile525Val (NM_001377262.1); c.1795A>G, p.Ile599Val (NM_005906.6); short protein forms I525V, I559V, I599V, I624V.
Identifiers: ClinVar variation 1053628 (VCV001053628.6), dbSNP rs1340734588, ClinGen allele CA362719225.

ClinVar aggregate classification (germline): Uncertain significance (1 of 4 stars; one submission).

Allele frequency attached by ClinVar (database versions not stated): TOPMed below 0.00001; gnomAD exomes 0.00001.
gnomAD v4.1: 10 of 1,614,096 alleles (0.00062%); highest among the groups gnomAD compares: Non-Finnish European, 0.00085%; no homozygotes.

Submission:

Labcorp Genetics (formerly Invitae), Labcorp
Classification: Uncertain significance. Last evaluated: 2020-10-01. Review status: criteria provided, single submitter. Criteria: Invitae Variant Classification Sherloc (09022015). Collection method: clinical testing. Allele origin: germline.
Comment: This sequence change replaces isoleucine with valine at codon 624 of the MAK protein (p.Ile624Val). The isoleucine residue is moderately conserved and there is a small physicochemical difference between isoleucine and valine. This variant is not present in population databases (ExAC no frequency). This variant has not been reported in the literature in individuals with MAK-related conditions. Experimental studies and prediction algorithms are not available or were not evaluated, and the functional significance of this variant is currently unknown. In summary, the available evidence is currently insufficient to determine the role of this variant in disease. Therefore, it has been classified as a Variant of Uncertain Significance.